The following is an entry in ClinVar:

NM_000096.4(CP):c.2782T>A (p.Ser928Thr)

Gene: CP (ceruloplasmin; minus strand). Cytogenetic location: 3q24.
Variant type: single nucleotide variant.
Coding change: c.2782T>A on transcript NM_000096.4 (MANE Select); coding-DNA position 2782, T replaced by A.
Protein change: p.Ser928Thr; replaces serine 928 with threonine.
Molecular consequence: missense variant. On other transcripts: non-coding transcript variant (1).
Genome position (GRCh38, 1-based): chr3:149,178,511, A>T on the plus strand (T>A on the coding strand, the complement: CP is on the minus strand). VCF-style: chr3-149178511-A-T. GRCh37 (hg19) VCF-style: chr3-148896298-A-T.
Other names: short protein forms S928T.
Identifiers: ClinVar variation 1373612 (VCV001373612.8), dbSNP rs2108216572, ClinGen allele CA354929643.
Genomic context (GRCh38, chr3:149,178,511, plus strand): 5'-CTTTGTTTACTTTCTCGGGGTGATCAGAGTATGTTTTGATGTTGTCATCTAAGTACCAAG[A>T]TTCATTCTCATCAAAAACTAGAAACAGAAGGGCAAATTCCAGTTTCCTTCTGGGATTGAA-3'
Protein context (NP_000087.2, residues 918-938): LLFLVFDENE[Ser928Thr]WYLDDNIKTY

ClinVar aggregate classification (germline): Uncertain significance (1 of 4 stars; one submission).

Conditions:
Deficiency of ferroxidase (ACEP). Also called: NEURODEGENERATION WITH BRAIN IRON ACCUMULATION 10; Ceruloplasmin deficiency; Familial apoceruloplasmin deficiency; Hereditary ceruloplasmin deficiency; Deficiency of ceruloplasmin; Aceruloplasminemia. Identifiers: Orphanet 48818, MedGen C0878682, MONDO:0011426, OMIM 604290, HP:0025498.

gnomAD v4.1: 1 of 1,613,266 alleles (0.000062%); highest among the groups gnomAD compares: South Asian, 0.0011%; no homozygotes.

Submission:

Labcorp Genetics (formerly Invitae), Labcorp
Classification: Uncertain significance for Deficiency of ferroxidase. Last evaluated: 2021-12-02. Review status: criteria provided, single submitter. Criteria: Invitae Variant Classification Sherloc (09022015). Collection method: clinical testing. Allele origin: germline.
Comment: In summary, the available evidence is currently insufficient to determine the role of this variant in disease. Therefore, it has been classified as a Variant of Uncertain Significance. Algorithms developed to predict the effect of missense changes on protein structure and function (SIFT, PolyPhen-2, Align-GVGD) all suggest that this variant is likely to be disruptive. This variant has not been reported in the literature in individuals affected with CP-related conditions. This variant is not present in population databases (gnomAD no frequency). This sequence change replaces serine, which is neutral and polar, with threonine, which is neutral and polar, at codon 928 of the CP protein (p.Ser928Thr).